The following is an entry in ClinVar:

ClinVar aggregate classification (germline): Likely benign (0 of 4 stars; one submission).

Conditions:
ADCY3-related disorder. Also called: ADCY3-related condition.

Submission:

PreventionGenetics, part of Exact Sciences
Classification: Likely benign for ADCY3-related condition. Last evaluated: 2022-11-23. Review status: no assertion criteria provided. Collection method: clinical testing. Allele origin: germline.
Comment: This variant is classified as likely benign based on ACMG/AMP sequence variant interpretation guidelines (Richards et al. 2015 PMID: 25741868, with internal and published modifications).

NM_004036.5(ADCY3):c.469C>T (p.Leu157=)

Gene: ADCY3 (adenylate cyclase 3; minus strand). Cytogenetic location: 2p23.3.
Variant type: single nucleotide variant.
Coding change: c.469C>T on transcript NM_004036.5 (MANE Select); coding-DNA position 469, C replaced by T.
Protein change: p.Leu157=; no amino-acid change (leucine 157 retained).
Molecular consequence: synonymous variant.
Genome position (GRCh38, 1-based): chr2:24,918,519, G>A on the plus strand (C>T on the coding strand, the complement: ADCY3 is on the minus strand). VCF-style: chr2-24918519-G-A. GRCh37 (hg19) VCF-style: chr2-25141388-G-A.
Other names: c.469C>T, p.Leu157= (NM_001320613.2, NM_001377128.1, NM_001377129.1 and 2 more transcripts).
Identifiers: ClinVar variation 3354081 (VCV003354081.1).
Genomic context (GRCh38, chr2:24,918,519, plus strand): 5'-AGACAAAGAAGACCTGCCAGCCCACCGTGTCACTAGCCGCGTGGGCACGCGCGAAGTTCA[G>A]GCCCAGGTAGGAGAAGATCTGGGCGGTTATGAGCAGCCACAGCACGTAGGGCAGCACTCT-3'
Protein context (NP_004027.2, residues 147-167): ITAQIFSYLG[Leu157=]NFARAHAASD